The following is an entry in ClinVar:

NM_030665.4(RAI1):c.2959G>A (p.Ala987Thr)

Gene: RAI1 (retinoic acid induced 1; plus strand). Cytogenetic location: 17p11.2.
Variant type: single nucleotide variant.
Coding change: c.2959G>A on transcript NM_030665.4 (MANE Select); coding-DNA position 2959, G replaced by A.
Protein change: p.Ala987Thr; replaces alanine 987 with threonine.
Molecular consequence: missense variant.
Genome position (GRCh38, 1-based): chr17:17,795,907, G>A. VCF-style: chr17-17795907-G-A. GRCh37 (hg19) VCF-style: chr17-17699221-G-A.
Other names: c.2959G>A (NM_030665.3); short protein forms A987T.
Identifiers: ClinVar variation 1579442 (VCV001579442.11), dbSNP rs773304078, ClinGen allele CA8418647.

ClinVar aggregate classification (germline): Likely benign. Review status: criteria provided, multiple submitters, no conflicts (2 of 4 stars). 3 submissions from 3 submitters: Likely benign (2). 1 of the submissions does not count toward it. Last evaluated 2026-01-13.

Conditions:
Inborn genetic diseases. Identifiers: MedGen C0950123, MeSH D030342.
RAI1-related disorder. Also called: RAI1-related condition.

Allele frequency attached by ClinVar (database versions not stated): gnomAD 0.00006; ExAC 0.00010; gnomAD exomes 0.00005 and 0.00012.

Submissions (3):

Labcorp Genetics (formerly Invitae), Labcorp
Classification: Likely benign. Last evaluated: 2026-01-13. Review status: criteria provided, single submitter. Criteria: Invitae Variant Classification Sherloc (09022015). Collection method: clinical testing. Allele origin: germline.

Ambry Genetics
Classification: Likely benign for Inborn genetic diseases. Last evaluated: 2022-02-02. Review status: criteria provided, single submitter. Criteria: Ambry Variant Classification Scheme 2023. Collection method: clinical testing. Allele origin: germline.

PreventionGenetics, part of Exact Sciences
Classification: Likely benign for RAI1-related condition. Last evaluated: 2022-08-11. Review status: no assertion criteria provided. Collection method: clinical testing. Allele origin: germline. Not counted in ClinVar's aggregate classification.
Comment: This variant is classified as likely benign based on ACMG/AMP sequence variant interpretation guidelines (Richards et al. 2015 PMID: 25741868, with internal and published modifications).